The following is an entry in ClinVar:

NM_001083619.3(GRIA2):c.2363G>C (p.Trp788Ser)

Gene: GRIA2 (glutamate ionotropic receptor AMPA type subunit 2; plus strand). Cytogenetic location: 4q32.1.
Variant type: single nucleotide variant.
Coding change: c.2363G>C on transcript NM_001083619.3 (MANE Select); coding-DNA position 2363, G replaced by C.
Protein change: p.Trp788Ser; replaces tryptophan 788 with serine.
Molecular consequence: missense variant. On other transcripts: intron variant (3).
Genome position (GRCh38, 1-based): chr4:157,361,081, G>C. VCF-style: chr4-157361081-G-C. GRCh37 (hg19) VCF-style: chr4-158282233-G-C.
Other names: c.2222G>C, p.Trp741Ser (NM_001379000.3); c.2151-457G>C (NM_001379001.3, NM_001083620.3); c.2292-457G>C (NM_000826.6); short protein forms W741S, W788S.
Identifiers: ClinVar variation 3362028 (VCV003362028.1).

ClinVar aggregate classification (germline): Likely pathogenic (1 of 4 stars; one submission).

Submission:

GeneDx
Classification: Likely pathogenic. Last evaluated: 2024-03-20. Review status: criteria provided, single submitter. Criteria: GeneDx Variant Classification Process June 2021. Collection method: clinical testing. Allele origin: germline. Affected: yes.
Comment: Not observed at significant frequency in large population cohorts (gnomAD); In silico analysis supports that this missense variant has a deleterious effect on protein structure/function; Has not been previously published as pathogenic or benign to our knowledge